The following is an entry in ClinVar:

ClinVar aggregate classification (germline): Likely pathogenic (1 of 4 stars; one submission).

Allele frequency attached by ClinVar (database versions not stated): gnomAD exomes 0.00001; TOPMed 0.00001; ExAC 0.00002.
gnomAD v4.1: 5 of 1,613,404 alleles (0.00031%); highest among the groups gnomAD compares: Admixed American, 0.0083%; no homozygotes.

Submission:

Labcorp Genetics (formerly Invitae), Labcorp
Classification: Likely pathogenic. Last evaluated: 2025-06-27. Review status: criteria provided, single submitter. Criteria: Invitae Variant Classification Sherloc (09022015). Collection method: clinical testing. Allele origin: germline.
Comment: This sequence change affects a donor splice site in intron 4 of the C7 gene. It is expected to disrupt RNA splicing. Variants that disrupt the donor or acceptor splice site typically lead to a loss of protein function (PMID: 16199547), and loss-of-function variants in C7 are known to be pathogenic (PMID: 9856499, 17407100). This variant is present in population databases (rs759285960, gnomAD 0.009%). Disruption of this splice site has been observed in individual(s) with clinical features of C7 deficiency (PMID: 28368462, 31440263). ClinVar contains an entry for this variant (Variation ID: 1969391). Algorithms developed to predict the effect of sequence changes on RNA splicing suggest that this variant may disrupt the consensus splice site. In summary, the currently available evidence indicates that the variant is pathogenic, but additional data are needed to prove that conclusively. Therefore, this variant has been classified as Likely Pathogenic.

Literature cited by the submitters: PubMed 16199547; PubMed 9856499; PubMed 17407100; PubMed 28368462; PubMed 31440263.

NM_000587.4(C7):c.280+1G>A

Gene: C7 (complement C7; plus strand). Cytogenetic location: 5p13.1.
Variant type: single nucleotide variant.
Coding change: c.280+1G>A on transcript NM_000587.4 (MANE Select); the canonical splice donor site of the intron after coding-DNA position 280, G replaced by A.
Molecular consequence: splice donor variant.
Genome position (GRCh38, 1-based): chr5:40,934,467, G>A. VCF-style: chr5-40934467-G-A. GRCh37 (hg19) VCF-style: chr5-40934569-G-A.
Identifiers: ClinVar variation 1969391 (VCV001969391.5), dbSNP rs759285960, ClinGen allele CA3249574.